The following is an entry in ClinVar:

NM_000465.4(BARD1):c.303G>A (p.Leu101=)

Gene: BARD1 (BRCA1 associated RING domain 1; minus strand). Cytogenetic location: 2q35.
Variant type: single nucleotide variant.
Coding change: c.303G>A on transcript NM_000465.4 (MANE Select); coding-DNA position 303, G replaced by A.
Protein change: p.Leu101=; no amino-acid change (leucine 101 retained).
Molecular consequence: synonymous variant. On other transcripts: non-coding transcript variant (1), intron variant (2).
Genome position (GRCh38, 1-based): chr2:214,792,358, C>T on the plus strand (G>A on the coding strand, the complement: BARD1 is on the minus strand). VCF-style: chr2-214792358-C-T. GRCh37 (hg19) VCF-style: chr2-215657082-C-T.
Other names: c.246G>A, p.Leu82= (NM_001282543.2); c.303G>A, p.Leu101= (NM_001282549.2); c.158+17054G>A (NM_001282548.2); c.215+4703G>A (NM_001282545.2).
Identifiers: ClinVar variation 3378785 (VCV003378785.1).

ClinVar aggregate classification (germline): Benign (1 of 4 stars; one submission).

Conditions:
Familial cancer of breast. Also called: hereditary breast carcinoma; Hereditary breast cancer; BREAST CANCER, FAMILIAL. Identifiers: Orphanet 227535, MedGen C0346153, MONDO:0016419, OMIM 114480. Disease mechanism: loss of function.

Submission:

Myriad Genetics, Inc.
Classification: Benign for Familial cancer of breast. Last evaluated: 2024-07-19. Review status: criteria provided, single submitter. Criteria: Myriad Autosomal Dominant, Autosomal Recessive and X-Linked Classification Criteria (2023). Collection method: clinical testing. Allele origin: unknown.
Comment: This variant is considered benign. This variant is a silent/synonymous amino acid change and it is not expected to impact splicing.